The following is an entry in ClinVar:

ClinVar aggregate classification (germline): Uncertain significance. Review status: criteria provided, multiple submitters, no conflicts (2 of 4 stars). 2 submissions from 2 submitters: Uncertain significance (2). Last evaluated 2025-02-25.

Conditions:
Spondyloepimetaphyseal dysplasia-short limb-abnormal calcification syndrome (SMED-SL). Also called: Spondylometaepiphyseal dysplasia, short limb-hand type; SMED, TYPE II; SMED-SL/AC; SMED short limb-hand type; SMED type 2; Spondylometaepiphyseal dysplasia short limb-abnormal calcification type. Identifiers: Orphanet 93358, MedGen C1849011, MONDO:0010077, OMIM 271665.

Allele frequency attached by ClinVar (database versions not stated): gnomAD exomes 0.00003 and 0.00004; ExAC 0.00004; gnomAD 0.00005 and 0.00006; TOPMed 0.00005.
gnomAD v4.1: 64 of 1,613,926 alleles (0.004%); highest among the groups gnomAD compares: Non-Finnish European, 0.0047%; 1 homozygote.

Submissions (2):

Labcorp Genetics (formerly Invitae), Labcorp
Classification: Uncertain significance. Last evaluated: 2025-02-25. Review status: criteria provided, single submitter. Criteria: Invitae Variant Classification Sherloc (09022015). Collection method: clinical testing. Allele origin: germline.
Comment: This sequence change replaces arginine, which is basic and polar, with glutamine, which is neutral and polar, at codon 165 of the DDR2 protein (p.Arg165Gln). This variant is present in population databases (rs200233661, gnomAD 0.005%). This variant has not been reported in the literature in individuals affected with DDR2-related conditions. ClinVar contains an entry for this variant (Variation ID: 1033076). An algorithm developed to predict the effect of missense changes on protein structure and function (PolyPhen-2) suggests that this variant is likely to be disruptive. In summary, the available evidence is currently insufficient to determine the role of this variant in disease. Therefore, it has been classified as a Variant of Uncertain Significance.

Baylor Genetics
Classification: Uncertain significance for Spondyloepimetaphyseal dysplasia-short limb-abnormal calcification syndrome. Last evaluated: 2018-09-25. Review status: criteria provided, single submitter. Criteria: ACMG Guidelines, 2015. Collection method: clinical testing. Allele origin: paternal. Affected: yes.
Comment: This variant was determined to be of uncertain significance according to ACMG Guidelines, 2015 [PMID:25741868].

NM_006182.4(DDR2):c.494G>A (p.Arg165Gln)

Gene: DDR2 (discoidin domain receptor tyrosine kinase 2; plus strand). Cytogenetic location: 1q23.3.
Variant type: single nucleotide variant.
Coding change: c.494G>A on transcript NM_006182.4 (MANE Select); coding-DNA position 494, G replaced by A.
Protein change: p.Arg165Gln; replaces arginine 165 with glutamine.
Molecular consequence: missense variant.
Genome position (GRCh38, 1-based): chr1:162,755,232, G>A. VCF-style: chr1-162755232-G-A. GRCh37 (hg19) VCF-style: chr1-162725022-G-A.
Other names: c.494G>A, p.Arg165Gln (NM_001014796.3, NM_001354982.2, NM_001354983.2); short protein forms R165Q.
Identifiers: ClinVar variation 1033076 (VCV001033076.2), dbSNP rs200233661, ClinGen allele CA1217259.
Genomic context (GRCh38, chr1:162,755,232, plus strand): 5'-GTAACCCCTATGACATTTTCCTAAAGGACTTGGAGCCGCCCATTGTAGCCAGATTTGTCC[G>A]GTTCATTCCAGTCACCGACCACTCCATGAATGTGTGTATGAGAGTGGAGCTTTACGGCTG-3'
Protein context (NP_006173.2, residues 155-175): LEPPIVARFV[Arg165Gln]FIPVTDHSMN